The following is an entry in ClinVar:

ClinVar aggregate classification (germline): Uncertain significance (1 of 4 stars; one submission).

Submission:

Labcorp Genetics (formerly Invitae), Labcorp
Classification: Uncertain significance. Last evaluated: 2021-11-11. Review status: criteria provided, single submitter. Criteria: Invitae Variant Classification Sherloc (09022015). Collection method: clinical testing. Allele origin: germline.
Comment: This sequence change replaces proline, which is neutral and non-polar, with leucine, which is neutral and non-polar, at codon 2648 of the FAT4 protein (p.Pro2648Leu). This variant is not present in population databases (gnomAD no frequency). This variant has not been reported in the literature in individuals affected with FAT4-related conditions. Algorithms developed to predict the effect of missense changes on protein structure and function (SIFT, PolyPhen-2, Align-GVGD) all suggest that this variant is likely to be disruptive. In summary, the available evidence is currently insufficient to determine the role of this variant in disease. Therefore, it has been classified as a Variant of Uncertain Significance.

NM_001291303.3(FAT4):c.7949C>T (p.Pro2650Leu)

Gene: FAT4 (FAT atypical cadherin 4; plus strand). Cytogenetic location: 4q28.1.
Variant type: single nucleotide variant.
Coding change: c.7949C>T on transcript NM_001291303.3 (MANE Select); coding-DNA position 7949, C replaced by T.
Protein change: p.Pro2650Leu; replaces proline 2650 with leucine.
Molecular consequence: missense variant.
Genome position (GRCh38, 1-based): chr4:125,448,959, C>T. VCF-style: chr4-125448959-C-T. GRCh37 (hg19) VCF-style: chr4-126370114-C-T.
Other names: c.7949C>T, p.Pro2650Leu (NM_001291285.3); c.7943C>T, p.Pro2648Leu (NM_024582.6); short protein forms P2648L, P2650L.
Identifiers: ClinVar variation 1381464 (VCV001381464.6), dbSNP rs2126057386, ClinGen allele CA358144527.